The following is an entry in ClinVar:

NM_005276.4(GPD1):c.34G>A (p.Gly12Arg)

Gene: GPD1 (glycerol-3-phosphate dehydrogenase 1; plus strand). Cytogenetic location: 12q13.12.
Variant type: single nucleotide variant.
Coding change: c.34G>A on transcript NM_005276.4 (MANE Select); coding-DNA position 34, G replaced by A.
Protein change: p.Gly12Arg; replaces glycine 12 with arginine.
Molecular consequence: missense variant.
Genome position (GRCh38, 1-based): chr12:50,104,084, G>A. VCF-style: chr12-50104084-G-A. GRCh37 (hg19) VCF-style: chr12-50497867-G-A.
Other names: c.34G>A, p.Gly12Arg (NM_001257199.2); short protein forms G12R.
Identifiers: ClinVar variation 1030902 (VCV001030902.1), dbSNP rs776284291, ClinGen allele CA6561390.
Genomic context (GRCh38, chr12:50,104,084, plus strand): 5'-AGCCGGCTCAGGCAGAGACGCGGCACCATGGCTAGCAAGAAAGTCTGCATTGTAGGCTCC[G>A]GGAACTGGTAAGCAGCTCTGTCAAGTGATATGGGGGAAGGGTAGGCCCCCCAAGACAGAG-3'
Protein context (NP_005267.2, residues 2-22): ASKKVCIVGS[Gly12Arg]NWGSAIAKIV

ClinVar aggregate classification (germline): Uncertain significance (1 of 4 stars; one submission).

Conditions:
Transient infantile hypertriglyceridemia and hepatosteatosis. Identifiers: Orphanet 300293, MedGen C3280953, MONDO:0013771, OMIM 614480.

Allele frequency attached by ClinVar (database versions not stated): gnomAD exomes below 0.00001; ExAC 0.00001.
gnomAD v4.1: 2 of 1,614,028 alleles (0.00012%); highest among the groups gnomAD compares: Non-Finnish European, 0.000085%; no homozygotes.

Submission:

Baylor Genetics
Classification: Uncertain significance for Transient infantile hypertriglyceridemia and hepatosteatosis. Last evaluated: 2020-06-03. Review status: criteria provided, single submitter. Criteria: ACMG Guidelines, 2015. Collection method: clinical testing. Allele origin: unknown. Affected: yes.
Comment: This variant was determined to be of uncertain significance according to ACMG Guidelines, 2015 [PMID:25741868].